The following is an entry in ClinVar:

ClinVar aggregate classification (germline): Uncertain significance (1 of 4 stars; one submission).

Submission:

Labcorp Genetics (formerly Invitae), Labcorp
Classification: Uncertain significance. Last evaluated: 2026-01-24. Review status: criteria provided, single submitter. Criteria: Invitae Variant Classification Sherloc (09022015). Collection method: clinical testing. Allele origin: germline.
Comment: This sequence change replaces leucine, which is neutral and non-polar, with isoleucine, which is neutral and non-polar, at codon 339 of the VAV1 protein (p.Leu339Ile). This variant is not present in population databases (gnomAD no frequency). This variant has not been reported in the literature in individuals affected with VAV1-related conditions. ClinVar contains an entry for this variant (Variation ID: 2987404). An algorithm developed to predict the effect of missense changes on protein structure and function (PolyPhen-2) suggests that this variant is likely to be disruptive. In summary, the available evidence is currently insufficient to determine the role of this variant in disease. Therefore, it has been classified as a Variant of Uncertain Significance.

NM_005428.4(VAV1):c.1015C>A (p.Leu339Ile)

Gene: VAV1 (vav guanine nucleotide exchange factor 1; plus strand). Cytogenetic location: 19p13.3.
Variant type: single nucleotide variant.
Coding change: c.1015C>A on transcript NM_005428.4 (MANE Select); coding-DNA position 1015, C replaced by A.
Protein change: p.Leu339Ile; replaces leucine 339 with isoleucine.
Molecular consequence: missense variant.
Genome position (GRCh38, 1-based): chr19:6,828,163, C>A. VCF-style: chr19-6828163-C-A. GRCh37 (hg19) VCF-style: chr19-6828174-C-A.
Other names: c.1015C>A, p.Leu339Ile (NM_001258206.2); c.919C>A, p.Leu307Ile (NM_001258207.2); short protein forms L307I, L339I.
Identifiers: ClinVar variation 2987404 (VCV002987404.3), dbSNP rs2512369356, ClinGen allele CA403620653.